The following is an entry in ClinVar:

NM_032520.5(GNPTG):c.61C>G (p.Pro21Ala)

Genes: GNPTG (N-acetylglucosamine-1-phosphate transferase subunit gamma; plus strand), LOC130058158 (ATAC-STARR-seq lymphoblastoid silent region 6972; plus strand). Cytogenetic location: 16p13.3.
Variant type: single nucleotide variant.
Coding change: c.61C>G on transcript NM_032520.5 (MANE Select); coding-DNA position 61, C replaced by G.
Protein change: p.Pro21Ala; replaces proline 21 with alanine.
Molecular consequence: missense variant.
Genome position (GRCh38, 1-based): chr16:1,352,110, C>G. VCF-style: chr16-1352110-C-G. GRCh37 (hg19) VCF-style: chr16-1402111-C-G.
Other names: c.61C>G (NM_032520.4); short protein forms P21A.
Identifiers: ClinVar variation 2151900 (VCV002151900.5), dbSNP rs778042839, ClinGen allele CA7807460.

ClinVar aggregate classification (germline): Uncertain significance. Review status: criteria provided, multiple submitters, no conflicts (2 of 4 stars). 3 submissions from 3 submitters: Uncertain significance (2). 1 of the submissions does not count toward it. Last evaluated 2025-04-16.

Conditions:
Inborn genetic diseases. Identifiers: MedGen C0950123, MeSH D030342.
Retinal dystrophy. Also called: Inherited retinal dystrophy. Identifiers: Orphanet 71862, MedGen C0854723, MeSH D058499, MONDO:0019118, HP:0000556.

Allele frequency attached by ClinVar (database versions not stated): gnomAD 0.00001; gnomAD exomes 0.00001; ExAC 0.00011.
gnomAD v4.1: 25 of 1,575,346 alleles (0.0016%); highest among the groups gnomAD compares: South Asian, 0.013%; no homozygotes.

Submissions (3):

Labcorp Genetics (formerly Invitae), Labcorp
Classification: Uncertain significance. Last evaluated: 2025-04-16. Review status: criteria provided, single submitter. Criteria: Invitae Variant Classification Sherloc (09022015). Collection method: clinical testing. Allele origin: germline.
Comment: This sequence change replaces proline, which is neutral and non-polar, with alanine, which is neutral and non-polar, at codon 21 of the GNPTG protein (p.Pro21Ala). This variant is present in population databases (rs778042839, gnomAD 0.02%). This variant has not been reported in the literature in individuals affected with GNPTG-related conditions. ClinVar contains an entry for this variant (Variation ID: 2151900). Invitae Evidence Modeling of protein sequence and biophysical properties (such as structural, functional, and spatial information, amino acid conservation, physicochemical variation, residue mobility, and thermodynamic stability) indicates that this missense variant is not expected to disrupt GNPTG protein function with a negative predictive value of 80%. In summary, the available evidence is currently insufficient to determine the role of this variant in disease. Therefore, it has been classified as a Variant of Uncertain Significance.

Ambry Genetics
Classification: Uncertain significance for Inborn genetic diseases. Last evaluated: 2023-03-01. Review status: criteria provided, single submitter. Criteria: Ambry Variant Classification Scheme 2023. Collection method: clinical testing. Allele origin: germline.

Institute of Human Genetics, Univ. Regensburg, Univ. Regensburg
Classification: Uncertain significance for Retinal dystrophy. Last evaluated: 2022-01-01. Review status: no assertion criteria provided. Criteria: ACMG Guidelines, 2015. Collection method: clinical testing. Allele origin: germline. Affected: yes. Not counted in ClinVar's aggregate classification.